The following is an entry in ClinVar:

NM_000128.4(F11):c.1281_1283delinsTA (p.Leu427fs)

Gene: F11 (coagulation factor XI; plus strand). Cytogenetic location: 4q35.2.
Variant type: Indel.
Coding change: c.1281_1283delinsTA on transcript NM_000128.4 (MANE Select); coding-DNA positions 1281 to 1283, AAC replaced by TA.
Protein change: p.Leu427fs; shifts the reading frame from leucine 427.
Molecular consequence: frameshift variant.
Genome position (GRCh38, 1-based): chr4:186,284,237-186,284,239, AAC replaced by TA. VCF-style: chr4-186284237-AAC-TA. GRCh37 (hg19) VCF-style: chr4-187205391-AAC-TA.
Other names: c.1233_1235delinsTA, p.Leu411fs (NM_001440590.1, NM_001440596.1); c.1281_1283delinsTA, p.Leu427fs (NM_001440593.1); c.1011_1013delinsTA, p.Leu337fs (NM_001440605.1, NM_001440607.1); c.963_965delinsTA, p.Leu321fs (NM_001440606.1, NM_001440608.1); short protein forms L337fs, L411fs, L427fs, L321fs.
Identifiers: ClinVar variation 5011091 (VCV005011091.1).
Genomic context (GRCh38, chr4:186,284,237, plus strand): 5'-AACCTCACCCACTCAGAGACACCTGTGTGGAGGCTCCATCATTGGAAACCAGTGGATATT[AAC>TA]AGCCGCTCACTGTTTCTATGGGTCAGTACCACGGCTGTTTTTATTAGTTCATCTTCTTCA-3'

ClinVar aggregate classification (germline): Pathogenic (1 of 4 stars; one submission).

Conditions:
Hereditary factor XI deficiency disease. Also called: PLASMA THROMBOPLASTIN ANTECEDENT DEFICIENCY; PTA DEFICIENCY; ROSENTHAL SYNDROME; Congenital factor XI deficiency. Identifiers: Orphanet 329, MedGen C0015523, MeSH D005173, MONDO:0012897, OMIM 612416.

Submission:

Myriad Genetics, Inc.
Classification: Pathogenic for Hereditary factor XI deficiency disease. Last evaluated: 2024-05-14. Review status: criteria provided, single submitter. Criteria: Myriad Autosomal Dominant, Autosomal Recessive and X-Linked Classification Criteria (2023). Collection method: clinical testing. Allele origin: unknown.
Comment: NM_000128.3(F11):c.1281_1283delAACinsTA(L427Ffs*10) is expected to be pathogenic in the context of factor XI deficiency. This variant is predicted to lead to an abnormal or absent protein product due to the creation of a premature termination codon in F11, a gene where loss-of-function variants are known to be pathogenic. Please note: this variant was assessed in the context of healthy population screening.